The following is an entry in ClinVar:

NM_003072.5(SMARCA4):c.2292G>A (p.Trp764Ter)

Gene: SMARCA4 (SWI/SNF related BAF chromatin remodeling complex subunit ATPase 4; plus strand). Cytogenetic location: 19p13.2.
Variant type: single nucleotide variant.
Coding change: c.2292G>A on transcript NM_003072.5 (MANE Select); coding-DNA position 2292, G replaced by A.
Protein change: p.Trp764Ter; replaces tryptophan 764 with a stop codon.
Molecular consequence: nonsense. On other transcripts: non-coding transcript variant (1).
Genome position (GRCh38, 1-based): chr19:11,012,966, G>A. VCF-style: chr19-11012966-G-A. GRCh37 (hg19) VCF-style: chr19-11123642-G-A.
Other names: c.2292G>A, p.Trp764Ter (NM_001128844.3, NM_001128845.2, NM_001128846.2 and 4 more transcripts); short protein forms W764*.
Identifiers: ClinVar variation 846208 (VCV000846208.8), dbSNP rs2088999811, ClinGen allele CA404053041.
Genomic context (GRCh38, chr19:11,012,966, plus strand): 5'-GACCCGGCCTTCAGTCCTGGCGTGGCCGCATCTGTCCTTGCAGATCAAAGGTTTGGAGTG[G>A]CTGGTGTCCCTGTACAACAACAACCTGAACGGCATCCTGGCCGACGAGATGGGCCTGGGG-3'

ClinVar aggregate classification (germline): Pathogenic. Review status: criteria provided, multiple submitters, no conflicts (2 of 4 stars). 2 submissions from 2 submitters: Pathogenic (2). Last evaluated 2026-06-11.

Conditions:
Hereditary cancer-predisposing syndrome. Also called: Tumor predisposition; Neoplastic Syndromes, Hereditary; Hereditary neoplastic syndrome; Hereditary Cancer Syndrome. Identifiers: Orphanet 140162, MedGen C0027672, MeSH D009386, MONDO:0015356.
Rhabdoid tumor predisposition syndrome 2 (RTPS2). Identifiers: Orphanet 231108, Orphanet 69077, MedGen C2750074, MONDO:0013224, OMIM 613325.

Submissions (2):

Ambry Genetics
Classification: Pathogenic for Hereditary cancer-predisposing syndrome. Last evaluated: 2026-06-11. Review status: criteria provided, single submitter. Criteria: Ambry Variant Classification Scheme 2023. Collection method: clinical testing. Allele origin: germline.
Comment: The p.W764* pathogenic mutation (also known as c.2292G>A), located in coding exon 15 of the SMARCA4 gene, results from a G to A substitution at nucleotide position 2292. This changes the amino acid from a tryptophan to a stop codon within coding exon 15. This variant is considered to be rare based on population cohorts in the Genome Aggregation Database (gnomAD). Loss-of-function variants in SMARCA4 are known to cause rhabdoid tumor predisposition syndrome including small cell carcinoma of the ovary-hypercalcemic type (SCCOHT); however, such associations with neurodevelopmental disorders are exceedingly rare (Kosho T et al. Am J Med Genet C Semin Med Genet. 2014 Sep;166C(3):262-75; Jelinic P et al. Nat Genet. 2014 May;46(5):424-6). Based on the supporting evidence, this variant is pathogenic for rhabdoid tumor predisposition syndrome; however, the association of this variant with Coffin-Siris syndrome is unlikely.

Labcorp Genetics (formerly Invitae), Labcorp
Classification: Pathogenic for Rhabdoid tumor predisposition syndrome 2. Last evaluated: 2019-03-29. Review status: criteria provided, single submitter. Criteria: Invitae Variant Classification Sherloc (09022015). Collection method: clinical testing. Allele origin: germline.
Comment: For these reasons, this variant has been classified as Pathogenic. Loss-of-function variants in SMARCA4 are known to be pathogenic (PMID: 24658001, 24658002). This variant has not been reported in the literature in individuals with SMARCA4-related conditions. This variant is not present in population databases (ExAC no frequency). This sequence change creates a premature translational stop signal (p.Trp764*) in the SMARCA4 gene. It is expected to result in an absent or disrupted protein product.

Literature cited by the submitters: PubMed 24658001 (cited by Labcorp Genetics (formerly Invitae), Labcorp); PubMed 24658002 (cited by Labcorp Genetics (formerly Invitae), Labcorp).